The following is an entry in ClinVar:

NM_000214.3(JAG1):c.1764dup (p.Glu589Ter)

Gene: JAG1 (jagged canonical Notch ligand 1; minus strand). Cytogenetic location: 20p12.2.
Variant type: Duplication.
Coding change: c.1764dup on transcript NM_000214.3 (MANE Select); coding-DNA position 1764, one base duplicated (T; older notation c.1764dupT).
Protein change: p.Glu589Ter; replaces glutamic acid 589 with a stop codon.
Molecular consequence: nonsense.
Genome position (GRCh38, 1-based): chr20:10,647,060, A duplicated on the plus strand (T on the coding strand, the reverse complement: JAG1 is on the minus strand). VCF-style (leftmost placement, unchanged base first): chr20-10647059-C-CA. GRCh37 (hg19) VCF-style: chr20-10627707-C-CA.
Other names: short protein forms E589*.
Identifiers: ClinVar variation 2052986 (VCV002052986.4), dbSNP rs2514515688, ClinGen allele CA2580097891.

ClinVar aggregate classification (germline): Pathogenic (1 of 4 stars; one submission).

Conditions:
Alagille syndrome due to a JAG1 point mutation. Also called: Alagille Syndrome 1; HEPATIC DUCTULAR HYPOPLASIA, SYNDROMATIC; JAG1-Related Alagille Syndrome. Identifiers: Orphanet 261619, Orphanet 52, MedGen C1956125, MONDO:0016862, OMIM 118450.

Submission:

Labcorp Genetics (formerly Invitae), Labcorp
Classification: Pathogenic for Alagille syndrome due to a JAG1 point mutation. Last evaluated: 2022-09-13. Review status: criteria provided, single submitter. Criteria: Invitae Variant Classification Sherloc (09022015). Collection method: clinical testing. Allele origin: germline.
Comment: For these reasons, this variant has been classified as Pathogenic. This variant has not been reported in the literature in individuals affected with JAG1-related conditions. This variant is not present in population databases (gnomAD no frequency). This sequence change creates a premature translational stop signal (p.Glu589*) in the JAG1 gene. It is expected to result in an absent or disrupted protein product. Loss-of-function variants in JAG1 are known to be pathogenic (PMID: 11180599).

Literature cited by the submitters: PubMed 11180599.